The following is an entry in ClinVar:

ClinVar aggregate classification (germline): Uncertain significance (1 of 4 stars; one submission).

gnomAD v4.1: 2 of 1,439,342 alleles (0.00014%); highest among the groups gnomAD compares: Non-Finnish European, 0.00018%; no homozygotes.

Submission:

Labcorp Genetics (formerly Invitae), Labcorp
Classification: Uncertain significance. Last evaluated: 2022-02-12. Review status: criteria provided, single submitter. Criteria: Invitae Variant Classification Sherloc (09022015). Collection method: clinical testing. Allele origin: germline.
Comment: In summary, the available evidence is currently insufficient to determine the role of this variant in disease. Therefore, it has been classified as a Variant of Uncertain Significance. Algorithms developed to predict the effect of missense changes on protein structure and function are either unavailable or do not agree on the potential impact of this missense change (SIFT: "Tolerated"; PolyPhen-2: "Possibly Damaging"; Align-GVGD: "Class C0"). This variant has not been reported in the literature in individuals affected with SPEG-related conditions. This variant is not present in population databases (gnomAD no frequency). This sequence change replaces proline, which is neutral and non-polar, with serine, which is neutral and polar, at codon 539 of the SPEG protein (p.Pro539Ser).

NM_005876.5(SPEG):c.1615C>T (p.Pro539Ser)

Gene: SPEG (striated muscle enriched protein kinase; plus strand). Cytogenetic location: 2q35.
Variant type: single nucleotide variant.
Coding change: c.1615C>T on transcript NM_005876.5 (MANE Select); coding-DNA position 1615, C replaced by T.
Protein change: p.Pro539Ser; replaces proline 539 with serine.
Molecular consequence: missense variant.
Genome position (GRCh38, 1-based): chr2:219,448,773, C>T. VCF-style: chr2-219448773-C-T. GRCh37 (hg19) VCF-style: chr2-220313495-C-T.
Other names: short protein forms P539S.
Identifiers: ClinVar variation 2097236 (VCV002097236.4), dbSNP rs1172338446, ClinGen allele CA350722373.